The following is an entry in ClinVar:

ClinVar aggregate classification (germline): Uncertain significance (1 of 4 stars; one submission).

Submission:

Greenwood Genetic Center Diagnostic Laboratories, Greenwood Genetic Center
Classification: Uncertain significance. Last evaluated: 2024-04-05. Review status: criteria provided, single submitter. Criteria: ACMG Guidelines, 2015. Collection method: clinical testing. Allele origin: germline. Affected: yes.
Comment: PM3, BS1, BP4

NM_153026.3(PRICKLE1):c.1639+903C>A

Gene: PRICKLE1 (prickle planar cell polarity protein 1; minus strand). Cytogenetic location: 12q12.
Variant type: single nucleotide variant.
Coding change: c.1639+903C>A on transcript NM_153026.3 (MANE Select); 903 bases into the intron after coding-DNA position 1639, C replaced by A.
Molecular consequence: intron variant.
Genome position (GRCh38, 1-based): chr12:42,463,492, G>T on the plus strand (C>A on the coding strand, the complement: PRICKLE1 is on the minus strand). VCF-style: chr12-42463492-G-T. GRCh37 (hg19) VCF-style: chr12-42857294-G-T.
Other names: c.1639+903C>A (NM_001144883.2, NM_001144882.2, NM_001144881.2).
Identifiers: ClinVar variation 3338523 (VCV003338523.1).
Genomic context (GRCh38, chr12:42,463,492, plus strand): 5'-GCTTGTGGCCAGGCGTGGTGGCTCATGCCTATAATCCCAGCACTTTGGGAGGCTGAGGCG[G>T]GTGGATCACCTGAGGTCAGGAGTTCGAGACCAGCCTGGCCAATATGGCGAAACCCCATCT-3'